The following is an entry in ClinVar:

NM_001903.5(CTNNA1):c.2032C>G (p.Gln678Glu)

Gene: CTNNA1 (catenin alpha 1; plus strand). Cytogenetic location: 5q31.2.
Variant type: single nucleotide variant.
Coding change: c.2032C>G on transcript NM_001903.5 (MANE Select); coding-DNA position 2032, C replaced by G.
Protein change: p.Gln678Glu; replaces glutamine 678 with glutamic acid.
Molecular consequence: missense variant.
Genome position (GRCh38, 1-based): chr5:138,930,494, C>G. VCF-style: chr5-138930494-C-G. GRCh37 (hg19) VCF-style: chr5-138266183-C-G.
Other names: c.2032C>G, p.Gln678Glu (NM_001290307.3, NM_001323982.2, NM_001323983.1 and 2 more transcripts); c.1723C>G, p.Gln575Glu (NM_001290309.3); c.1663C>G, p.Gln555Glu (NM_001290310.3); c.922C>G, p.Gln308Glu (NM_001290312.1, NM_001323987.1, NM_001323988.1 and 17 more transcripts); c.1939C>G, p.Gln647Glu (NM_001323986.2); c.583C>G, p.Gln195Glu (NM_001324006.1, NM_001324007.1, NM_001324008.1 and 2 more transcripts); c.829C>G, p.Gln277Glu (NM_001324011.1); c.679C>G, p.Gln227Glu (NM_001324012.1, NM_001324013.1); short protein forms Q195E, Q227E, Q277E, Q308E, Q555E, Q575E, Q647E, Q678E.
Identifiers: ClinVar variation 998470 (VCV000998470.9), dbSNP rs1765079997, ClinGen allele CA361133339.

ClinVar aggregate classification (germline): Uncertain significance (1 of 4 stars; one submission).

Submission:

Labcorp Genetics (formerly Invitae), Labcorp
Classification: Uncertain significance. Last evaluated: 2020-02-11. Review status: criteria provided, single submitter. Criteria: Invitae Variant Classification Sherloc (09022015). Collection method: clinical testing. Allele origin: germline.
Comment: In summary, the available evidence is currently insufficient to determine the role of this variant in disease. Therefore, it has been classified as a Variant of Uncertain Significance. Algorithms developed to predict the effect of missense changes on protein structure and function are either unavailable or do not agree on the potential impact of this missense change (SIFT: "Deleterious"; PolyPhen-2: "Benign"; Align-GVGD: "Class C0"). This variant has not been reported in the literature in individuals with CTNNA1-related conditions. This variant is not present in population databases (ExAC no frequency). This sequence change replaces glutamine with glutamic acid at codon 678 of the CTNNA1 protein (p.Gln678Glu). The glutamine residue is highly conserved and there is a small physicochemical difference between glutamine and glutamic acid.